The following is an entry in ClinVar:

NM_006186.4(NR4A2):c.121A>G (p.Lys41Glu)

Gene: NR4A2 (nuclear receptor subfamily 4 group A member 2; minus strand). Cytogenetic location: 2q24.1.
Variant type: single nucleotide variant.
Coding change: c.121A>G on transcript NM_006186.4 (MANE Select); coding-DNA position 121, A replaced by G.
Protein change: p.Lys41Glu; replaces lysine 41 with glutamic acid.
Molecular consequence: missense variant. On other transcripts: intron variant (1).
Genome position (GRCh38, 1-based): chr2:156,330,066, T>C on the plus strand (A>G on the coding strand, the complement: NR4A2 is on the minus strand). VCF-style: chr2-156330066-T-C. GRCh37 (hg19) VCF-style: chr2-157186578-T-C.
Other names: c.-13-56A>G (NM_173173.3); short protein forms K41E.
Identifiers: ClinVar variation 4122534 (VCV004122534.2).

ClinVar aggregate classification (germline): Uncertain significance (1 of 4 stars; one submission).

Conditions:
Inborn genetic diseases. Identifiers: MedGen C0950123, MeSH D030342.

Submission:

Ambry Genetics
Classification: Uncertain significance for Inborn genetic diseases. Last evaluated: 2025-10-17. Review status: criteria provided, single submitter. Criteria: Ambry Variant Classification Scheme 2023. Collection method: clinical testing. Allele origin: germline.
Comment: The c.121A>G (p.K41E) alteration is located in exon 3 (coding exon 1) of the NR4A2 gene. This alteration results from an A to G substitution at nucleotide position 121, causing the lysine (K) at amino acid position 41 to be replaced by a glutamic acid (E). This variant was not reported in population-based cohorts in the Genome Aggregation Database (gnomAD). This amino acid position is highly conserved in available vertebrate species. This alteration is predicted to be deleterious by in silico analysis. Based on insufficient or conflicting evidence, the clinical significance of this alteration remains unclear.